The following is an entry in ClinVar:

NM_152513.4(MEI1):c.2172G>T (p.Ser724=)

Gene: MEI1 (meiotic double-stranded break formation protein 1; plus strand). Cytogenetic location: 22q13.2.
Variant type: single nucleotide variant.
Coding change: c.2172G>T on transcript NM_152513.4 (MANE Select); coding-DNA position 2172, G replaced by T.
Protein change: p.Ser724=; no amino-acid change (serine 724 retained).
Molecular consequence: synonymous variant.
Genome position (GRCh38, 1-based): chr22:41,763,225, G>T. VCF-style: chr22-41763225-G-T. GRCh37 (hg19) VCF-style: chr22-42159229-G-T.
Identifiers: ClinVar variation 3060961 (VCV003060961.2), dbSNP rs2050033, ClinGen allele CA10260437.

ClinVar aggregate classification (germline): Benign (0 of 4 stars; one submission).

Conditions:
MEI1-related disorder. Also called: MEI1-related condition.

Allele frequency attached by ClinVar (database versions not stated): ExAC 0.78578; TOPMed 0.82507; gnomAD 0.83544; 1000 Genomes Project 30x 0.83651; 1000 Genomes Project 0.84125; ESP Exome Variant Server 0.85752.
gnomAD v4.1: 1,306,127 of 1,613,688 alleles (81%); highest among the groups gnomAD compares: African/African-American, 96%; 533,883 homozygotes.

Submission:

PreventionGenetics, part of Exact Sciences
Classification: Benign for MEI1-related condition. Last evaluated: 2019-04-30. Review status: no assertion criteria provided. Collection method: clinical testing. Allele origin: germline.
Comment: This variant is classified as benign based on ACMG/AMP sequence variant interpretation guidelines (Richards et al. 2015 PMID: 25741868, with internal and published modifications).